The following is an entry in ClinVar:

ClinVar aggregate classification (germline): Uncertain significance (1 of 4 stars; one submission).

Conditions:
Hereditary cancer-predisposing syndrome. Also called: Hereditary Cancer Syndrome; Neoplastic Syndromes, Hereditary; Tumor predisposition; Hereditary neoplastic syndrome. Identifiers: Orphanet 140162, MedGen C0027672, MeSH D009386, MONDO:0015356.

Submission:

Color Diagnostics, LLC DBA Color Health
Classification: Uncertain significance for Hereditary cancer-predisposing syndrome. Last evaluated: 2023-12-05. Review status: criteria provided, single submitter. Criteria: ACMG Guidelines, 2015. Collection method: clinical testing. Allele origin: germline.
Comment: This missense variant replaces serine with tyrosine at codon 585 of the BAP1 protein. Computational prediction suggests that this variant may not impact protein structure and function (internally defined REVEL score threshold <= 0.5, PMID: 27666373). To our knowledge, functional studies have not been reported for this variant. This variant has not been reported in individuals affected with BAP1-related disorders in the literature. This variant has not been identified in the general population by the Genome Aggregation Database (gnomAD). The available evidence is insufficient to determine the role of this variant in disease conclusively. Therefore, this variant is classified as a Variant of Uncertain Significance.

NM_004656.4(BAP1):c.1754C>A (p.Ser585Tyr)

Gene: BAP1 (BRCA1 associated deubiquitinase 1; minus strand). Cytogenetic location: 3p21.1.
Variant type: single nucleotide variant.
Coding change: c.1754C>A on transcript NM_004656.4 (MANE Select); coding-DNA position 1754, C replaced by A.
Protein change: p.Ser585Tyr; replaces serine 585 with tyrosine.
Molecular consequence: missense variant.
Genome position (GRCh38, 1-based): chr3:52,403,274, G>T on the plus strand (C>A on the coding strand, the complement: BAP1 is on the minus strand). VCF-style: chr3-52403274-G-T. GRCh37 (hg19) VCF-style: chr3-52437290-G-T.
Other names: c.1754C>A (LRG_529t1); short protein forms S585Y.
Identifiers: ClinVar variation 489625 (VCV000489625.6), dbSNP rs1553644741, ClinGen allele CA353099214.